The following is an entry in ClinVar:

NM_001159773.2(CANT1):c.1117T>A (p.Tyr373Asn)

Gene: CANT1 (calcium activated nucleotidase 1; minus strand). Cytogenetic location: 17q25.3.
Variant type: single nucleotide variant.
Coding change: c.1117T>A on transcript NM_001159773.2 (MANE Select); coding-DNA position 1117, T replaced by A.
Protein change: p.Tyr373Asn; replaces tyrosine 373 with asparagine.
Molecular consequence: missense variant.
Genome position (GRCh38, 1-based): chr17:78,993,639, A>T on the plus strand (T>A on the coding strand, the complement: CANT1 is on the minus strand). VCF-style: chr17-78993639-A-T. GRCh37 (hg19) VCF-style: chr17-76989721-A-T.
Other names: c.1117T>A, p.Tyr373Asn (NM_001159772.2, NM_138793.4); short protein forms Y373N.
Identifiers: ClinVar variation 1717437 (VCV001717437.5), dbSNP rs2509808098, ClinGen allele CA401306078.

ClinVar aggregate classification (germline): Uncertain significance (1 of 4 stars; one submission).

Submission:

Labcorp Genetics (formerly Invitae), Labcorp
Classification: Uncertain significance. Last evaluated: 2022-09-06. Review status: criteria provided, single submitter. Criteria: Invitae Variant Classification Sherloc (09022015). Collection method: clinical testing. Allele origin: germline.
Comment: This variant has not been reported in the literature in individuals affected with CANT1-related conditions. This variant is not present in population databases (gnomAD no frequency). This sequence change replaces tyrosine, which is neutral and polar, with asparagine, which is neutral and polar, at codon 373 of the CANT1 protein (p.Tyr373Asn). Algorithms developed to predict the effect of missense changes on protein structure and function are either unavailable or do not agree on the potential impact of this missense change (SIFT: "Deleterious"; PolyPhen-2: "Probably Damaging"; Align-GVGD: "Class C0"). In summary, the available evidence is currently insufficient to determine the role of this variant in disease. Therefore, it has been classified as a Variant of Uncertain Significance.